The following is an entry in ClinVar:

ClinVar aggregate classification (germline): Uncertain significance (1 of 4 stars; one submission).

Conditions:
Deficiency of aromatic-L-amino-acid decarboxylase. Also called: Aromatic amino acid decarboxylase deficiency; Aromatic L-Amino Acid Decarboxylase Deficiency; AADC DEFICIENCY; DDC DEFICIENCY; DOPA DECARBOXYLASE DEFICIENCY. Identifiers: Orphanet 35708, MedGen C1291564, MONDO:0012084, OMIM 608643.

Allele frequency attached by ClinVar (database versions not stated): TOPMed below 0.00001.
gnomAD v4.1: 16 of 1,614,194 alleles (0.00099%); highest among the groups gnomAD compares: Non-Finnish European, 0.0013%; no homozygotes.

Submission:

Labcorp Genetics (formerly Invitae), Labcorp
Classification: Uncertain significance for Deficiency of aromatic-L-amino-acid decarboxylase. Last evaluated: 2022-10-04. Review status: criteria provided, single submitter. Criteria: Invitae Variant Classification Sherloc (09022015). Collection method: clinical testing. Allele origin: germline.
Comment: This sequence change replaces glycine, which is neutral and non-polar, with aspartic acid, which is acidic and polar, at codon 23 of the DDC protein (p.Gly23Asp). This variant is not present in population databases (gnomAD no frequency). This variant has not been reported in the literature in individuals affected with DDC-related conditions. Algorithms developed to predict the effect of missense changes on protein structure and function output the following: SIFT: "Tolerated"; PolyPhen-2: "Benign"; Align-GVGD: "Class C0". The aspartic acid amino acid residue is found in multiple mammalian species, which suggests that this missense change does not adversely affect protein function. In summary, the available evidence is currently insufficient to determine the role of this variant in disease. Therefore, it has been classified as a Variant of Uncertain Significance.

NM_001082971.2(DDC):c.68G>A (p.Gly23Asp)

Gene: DDC (dopa decarboxylase; minus strand). Cytogenetic location: 7p12.1.
Variant type: single nucleotide variant.
Coding change: c.68G>A on transcript NM_001082971.2 (MANE Select); coding-DNA position 68, G replaced by A.
Protein change: p.Gly23Asp; replaces glycine 23 with aspartic acid.
Molecular consequence: missense variant.
Genome position (GRCh38, 1-based): chr7:50,544,018, C>T on the plus strand (G>A on the coding strand, the complement: DDC is on the minus strand). VCF-style: chr7-50544018-C-T. GRCh37 (hg19) VCF-style: chr7-50611716-C-T.
Other names: c.68G>A, p.Gly23Asp (NM_001242889.2, NM_001242890.2, NM_000790.4 and 3 more transcripts); short protein forms G23D.
Identifiers: ClinVar variation 2093589 (VCV002093589.1), dbSNP rs2044722637, ClinGen allele CA367532101.